The following is an entry in ClinVar:

ClinVar aggregate classification (germline): Likely benign (0 of 4 stars; one submission).

Conditions:
CHEK1-related disorder. Also called: CHEK1-related condition.

Submission:

PreventionGenetics, part of Exact Sciences
Classification: Likely benign for CHEK1-related condition. Last evaluated: 2023-02-01. Review status: no assertion criteria provided. Collection method: clinical testing. Allele origin: germline.
Comment: This variant is classified as likely benign based on ACMG/AMP sequence variant interpretation guidelines (Richards et al. 2015 PMID: 25741868, with internal and published modifications).

NM_001114122.3(CHEK1):c.-114G>T

Gene: CHEK1 (checkpoint kinase 1; plus strand). Cytogenetic location: 11q24.2.
Variant type: single nucleotide variant.
Coding change: c.-114G>T on transcript NM_001114122.3 (MANE Select); 114 bases upstream of the start codon, G replaced by T.
Molecular consequence: 5 prime UTR variant. On other transcripts: non-coding transcript variant (1).
Genome position (GRCh38, 1-based): chr11:125,625,919, G>T. VCF-style: chr11-125625919-G-T. GRCh37 (hg19) VCF-style: chr11-125495814-G-T.
Other names: c.-114G>T (NM_001114121.2, NM_001244846.1); c.-193G>T (NM_001330427.2).
Identifiers: ClinVar variation 3035928 (VCV003035928.2), dbSNP rs779165764, ClinGen allele CA230483650.